The following is an entry in ClinVar:

ClinVar aggregate classification (germline): Uncertain significance (1 of 4 stars; one submission).

Submission:

GeneDx
Classification: Uncertain significance. Last evaluated: 2019-11-21. Review status: criteria provided, single submitter. Criteria: GeneDx Variant Classification Process June 2021. Collection method: clinical testing. Allele origin: germline. Affected: yes.
Comment: Not observed in large population cohorts (Lek et al., 2016); Normal stop codon changed to an Arginine codon, leading to the addition of 6 amino acids at the C-terminus; Has not been previously published as pathogenic or benign to our knowledge

NM_022552.5(DNMT3A):c.2736_2737del (p.Ter913ArgextTer?)

Gene: DNMT3A (DNA methyltransferase 3 alpha; minus strand). Cytogenetic location: 2p23.3.
Variant type: Microsatellite.
Coding change: c.2736_2737del on transcript NM_022552.5 (MANE Select); coding-DNA positions 2736 to 2737, 2 bases deleted (GT; older notation c.2736_2737delGT).
Protein change: p.Ter913ArgextTer?.
Molecular consequence: frameshift variant. On other transcripts: non-coding transcript variant (1).
Genome position (GRCh38, 1-based): chr2:25,234,281-25,234,282, AC deleted on the plus strand (GT on the coding strand, the reverse complement: DNMT3A is on the minus strand); deleting any 2 consecutive bases within chr2:25,234,281-25,234,288 gives the same sequence; the c. name uses the placement nearest the transcript's 3' end. VCF-style (leftmost placement, unchanged base first): chr2-25234280-TAC-T. GRCh37 (hg19) VCF-style: chr2-25457149-TAC-T.
Other names: c.2280_2281del, p.Ter761ArgextTer? (NM_001320893.1); c.2067_2068del, p.Ter690ArgextTer? (NM_001375819.1); c.2169_2170del, p.Ter724ArgextTer? (NM_153759.3); c.2736_2737del, p.Ter913ArgextTer? (NM_175629.2).
Identifiers: ClinVar variation 1316389 (VCV001316389.2), dbSNP rs2149252129, ClinGen allele CA2523588083.